The following is an entry in ClinVar:

NM_001349253.2(SCN11A):c.97A>G (p.Ile33Val)

Gene: SCN11A (sodium voltage-gated channel alpha subunit 11; minus strand). Cytogenetic location: 3p22.2.
Variant type: single nucleotide variant.
Coding change: c.97A>G on transcript NM_001349253.2 (MANE Select); coding-DNA position 97, A replaced by G.
Protein change: p.Ile33Val; replaces isoleucine 33 with valine.
Molecular consequence: missense variant.
Genome position (GRCh38, 1-based): chr3:38,950,266, T>C on the plus strand (A>G on the coding strand, the complement: SCN11A is on the minus strand). VCF-style: chr3-38950266-T-C. GRCh37 (hg19) VCF-style: chr3-38991757-T-C.
Other names: c.97A>G, p.Ile33Val (NM_014139.3); short protein forms I33V.
Identifiers: ClinVar variation 1907598 (VCV001907598.5), dbSNP rs1293774421, ClinGen allele CA352176819.

ClinVar aggregate classification (germline): Uncertain significance (1 of 4 stars; one submission).

Conditions:
Hereditary sensory and autonomic neuropathy type 7. Also called: HSAN VII; Neuropathy, hereditary sensory and autonomic, type VII. Identifiers: Orphanet 391397, MedGen C3809882, MONDO:0014244, OMIM 615548.
Familial episodic pain syndrome with predominantly lower limb involvement. Also called: Episodic pain syndrome, familial, 3. Identifiers: Orphanet 391384, Orphanet 391392, MedGen C3809899, MONDO:0014247, OMIM 615552.

Allele frequency attached by ClinVar (database versions not stated): gnomAD exomes 0.00001; gnomAD 0.00008; TOPMed 0.00008.

Submission:

Labcorp Genetics (formerly Invitae), Labcorp
Classification: Uncertain significance for Familial episodic pain syndrome with predominantly lower limb involvement; Hereditary sensory and autonomic neuropathy type 7. Last evaluated: 2024-10-10. Review status: criteria provided, single submitter. Criteria: Invitae Variant Classification Sherloc (09022015). Collection method: clinical testing. Allele origin: germline.
Comment: This sequence change replaces isoleucine, which is neutral and non-polar, with valine, which is neutral and non-polar, at codon 33 of the SCN11A protein (p.Ile33Val). This variant is present in population databases (no rsID available, gnomAD 0.009%). This variant has not been reported in the literature in individuals affected with SCN11A-related conditions. ClinVar contains an entry for this variant (Variation ID: 1907598). Invitae Evidence Modeling of protein sequence and biophysical properties (such as structural, functional, and spatial information, amino acid conservation, physicochemical variation, residue mobility, and thermodynamic stability) indicates that this missense variant is not expected to disrupt SCN11A protein function with a negative predictive value of 80%. In summary, the available evidence is currently insufficient to determine the role of this variant in disease. Therefore, it has been classified as a Variant of Uncertain Significance.